The following is an entry in ClinVar:

NC_000016.10:g.(?_88840972)_(88842849_?)del

Gene: GALNS (galactosamine (N-acetyl)-6-sulfatase; minus strand). Cytogenetic location: 16q24.3.
Variant type: Deletion.
Identifiers: ClinVar variation 655224 (VCV000655224.5).

ClinVar aggregate classification (germline): Pathogenic (1 of 4 stars; one submission).

Conditions:
Mucopolysaccharidosis, MPS-IV-A (MPS4A). Also called: MORQUIO SYNDROME A; MPS IVA; GALACTOSAMINE-6-SULFATASE DEFICIENCY; GALNS DEFICIENCY; MORQUIO A DISEASE; mucopolysaccharidosis type 4A. Identifiers: Orphanet 309297, Orphanet 582, MedGen C0086651, MONDO:0009659, OMIM 253000.

Submission:

Labcorp Genetics (formerly Invitae), Labcorp
Classification: Pathogenic for Mucopolysaccharidosis, MPS-IV-A. Last evaluated: 2020-08-31. Review status: criteria provided, single submitter. Criteria: Invitae Variant Classification Sherloc (09022015). Collection method: clinical testing. Allele origin: germline.
Comment: For these reasons, this variant has been classified as Pathogenic. Loss-of-function variants in GALNS are known to be pathogenic (PMID: 12442278). This variant has not been reported in the literature in individuals with GALNS-related disease. This variant is an out-of-frame deletion of the genomic region encompassing exons 2-4 of the GALNS gene. This is expected to create a premature translational stop signal and result in an absent or disrupted protein product.

Literature cited by the submitters: PubMed 12442278.